The following is an entry in ClinVar:

ClinVar aggregate classification (germline): Uncertain significance (1 of 4 stars; one submission).

Conditions:
Early-infantile DEE. Also called: Ohtahara syndrome; Early infantile epileptic encephalopathy with suppression bursts; Early infantile epileptic encephalopathy. Identifiers: Orphanet 1934, MedGen C0393706, MONDO:0800491.

Allele frequency attached by ClinVar (database versions not stated): gnomAD exomes below 0.00001.
gnomAD v4.1: 2 of 1,611,236 alleles (0.00012%); highest among the groups gnomAD compares: Middle Eastern, 0.033%; no homozygotes.

Submission:

Labcorp Genetics (formerly Invitae), Labcorp
Classification: Uncertain significance for Early-infantile DEE. Last evaluated: 2022-09-27. Review status: criteria provided, single submitter. Criteria: Invitae Variant Classification Sherloc (09022015). Collection method: clinical testing. Allele origin: germline.
Comment: This variant has not been reported in the literature in individuals affected with KCNH5-related conditions. This sequence change replaces leucine, which is neutral and non-polar, with valine, which is neutral and non-polar, at codon 50 of the KCNH5 protein (p.Leu50Val). This variant is not present in population databases (gnomAD no frequency). Advanced modeling of protein sequence and biophysical properties (such as structural, functional, and spatial information, amino acid conservation, physicochemical variation, residue mobility, and thermodynamic stability) performed at Invitae indicates that this missense variant is not expected to disrupt KCNH5 protein function. In summary, the available evidence is currently insufficient to determine the role of this variant in disease. Therefore, it has been classified as a Variant of Uncertain Significance.

NM_139318.5(KCNH5):c.148C>G (p.Leu50Val)

Gene: KCNH5 (potassium voltage-gated channel subfamily H member 5; minus strand). Cytogenetic location: 14q23.2.
Variant type: single nucleotide variant.
Coding change: c.148C>G on transcript NM_139318.5 (MANE Select); coding-DNA position 148, C replaced by G.
Protein change: p.Leu50Val; replaces leucine 50 with valine.
Molecular consequence: missense variant.
Genome position (GRCh38, 1-based): chr14:63,016,880, G>C on the plus strand (C>G on the coding strand, the complement: KCNH5 is on the minus strand). VCF-style: chr14-63016880-G-C. GRCh37 (hg19) VCF-style: chr14-63483598-G-C.
Other names: c.148C>G, p.Leu50Val (NM_172375.3); short protein forms L50V.
Identifiers: ClinVar variation 1960414 (VCV001960414.5), dbSNP rs1891336570, ClinGen allele CA390106364.